The following is an entry in ClinVar:

ClinVar aggregate classification (germline): Uncertain significance (1 of 4 stars; one submission).

gnomAD v4.1: 3 of 1,608,384 alleles (0.00019%); highest among the groups gnomAD compares: Non-Finnish European, 0.00026%; no homozygotes.

Submission:

Labcorp Genetics (formerly Invitae), Labcorp
Classification: Uncertain significance. Last evaluated: 2025-12-10. Review status: criteria provided, single submitter. Criteria: Invitae Variant Classification Sherloc (09022015). Collection method: clinical testing. Allele origin: germline.
Comment: This sequence change replaces leucine, which is neutral and non-polar, with phenylalanine, which is neutral and non-polar, at codon 43 of the POGLUT1 protein (p.Leu43Phe). This variant is not present in population databases (gnomAD no frequency). This variant has not been reported in the literature in individuals affected with POGLUT1-related conditions. An algorithm developed to predict the effect of missense changes on protein structure and function (PolyPhen-2) suggests that this variant is likely to be disruptive. In summary, the available evidence is currently insufficient to determine the role of this variant in disease. Therefore, it has been classified as a Variant of Uncertain Significance.

NM_152305.3(POGLUT1):c.129G>T (p.Leu43Phe)

Gene: POGLUT1 (protein O-glucosyltransferase 1; plus strand). Cytogenetic location: 3q13.33.
Variant type: single nucleotide variant.
Coding change: c.129G>T on transcript NM_152305.3 (MANE Select); coding-DNA position 129, G replaced by T.
Protein change: p.Leu43Phe; replaces leucine 43 with phenylalanine.
Molecular consequence: missense variant. On other transcripts: non-coding transcript variant (1).
Genome position (GRCh38, 1-based): chr3:119,469,863, G>T. VCF-style: chr3-119469863-G-T. GRCh37 (hg19) VCF-style: chr3-119188710-G-T.
Other names: short protein forms L43F.
Identifiers: ClinVar variation 4699818 (VCV004699818.1).